The following is an entry in ClinVar:

ClinVar aggregate classification (germline): Uncertain significance (1 of 4 stars; one submission).

Submission:

Women's Health and Genetics/Laboratory Corporation of America, LabCorp
Classification: Uncertain significance. Last evaluated: 2025-09-23. Review status: criteria provided, single submitter. Criteria: LabCorp Variant Classification Summary - May 2015. Collection method: clinical testing. Allele origin: germline.
Comment: Variant summary: EPHB4 c.1234G>T (p.Val412Leu) results in a conservative amino acid change in the encoded protein sequence. Algorithms developed to predict the effect of missense changes on protein structure and function are either unavailable or do not agree on the potential impact of this missense change. The variant was absent in 249340 control chromosomes. The available data on variant occurrences in the general population are insufficient to allow any conclusion about variant significance. To our knowledge, no occurrence of c.1234G>T in individuals affected with EPHB4-related conditions and no experimental evidence demonstrating its impact on protein function have been reported. No submitters have cited clinical-significance assessments for this variant to ClinVar. Based on the evidence outlined above, the variant was classified as uncertain significance.

NM_004444.5(EPHB4):c.1234G>T (p.Val412Leu)

Gene: EPHB4 (EPH receptor B4; minus strand). Cytogenetic location: 7q22.1.
Variant type: single nucleotide variant.
Coding change: c.1234G>T on transcript NM_004444.5 (MANE Select); coding-DNA position 1234, G replaced by T.
Protein change: p.Val412Leu; replaces valine 412 with leucine.
Molecular consequence: missense variant.
Genome position (GRCh38, 1-based): chr7:100,819,620, C>A on the plus strand (G>T on the coding strand, the complement: EPHB4 is on the minus strand). VCF-style: chr7-100819620-C-A. GRCh37 (hg19) VCF-style: chr7-100417242-C-A.
Other names: short protein forms V412L.
Identifiers: ClinVar variation 4536034 (VCV004536034.1).